The following is an entry in ClinVar:

ClinVar aggregate classification (germline): Uncertain significance (1 of 4 stars; one submission).

gnomAD v4.1: 2 of 1,210,704 alleles (0.00017%); highest among the groups gnomAD compares: Non-Finnish European, 0.00011%; no homozygotes.

Submission:

Labcorp Genetics (formerly Invitae), Labcorp
Classification: Uncertain significance. Last evaluated: 2022-11-01. Review status: criteria provided, single submitter. Criteria: Invitae Variant Classification Sherloc (09022015). Collection method: clinical testing. Allele origin: germline.
Comment: In summary, the available evidence is currently insufficient to determine the role of this variant in disease. Therefore, it has been classified as a Variant of Uncertain Significance. Algorithms developed to predict the effect of missense changes on protein structure and function are either unavailable or do not agree on the potential impact of this missense change (SIFT: "Tolerated"; PolyPhen-2: "Possibly Damaging"; Align-GVGD: "Class C0"). This variant has not been reported in the literature in individuals affected with FRMD7-related conditions. This variant is present in population databases (no rsID available, gnomAD 0.005%). This sequence change replaces serine, which is neutral and polar, with arginine, which is basic and polar, at codon 558 of the FRMD7 protein (p.Ser558Arg).

NM_194277.3(FRMD7):c.1674C>A (p.Ser558Arg)

Gene: FRMD7 (FERM domain containing 7; minus strand). Cytogenetic location: Xq26.2.
Variant type: single nucleotide variant.
Coding change: c.1674C>A on transcript NM_194277.3 (MANE Select); coding-DNA position 1674, C replaced by A.
Protein change: p.Ser558Arg; replaces serine 558 with arginine.
Molecular consequence: missense variant.
Genome position (GRCh38, 1-based): chrX:132,078,343, G>T on the plus strand (C>A on the coding strand, the complement: FRMD7 is on the minus strand). VCF-style: chrX-132078343-G-T. GRCh37 (hg19) VCF-style: chrX-131212371-G-T.
Other names: c.1629C>A, p.Ser543Arg (NM_001306193.2); short protein forms S558R, S543R.
Identifiers: ClinVar variation 2000514 (VCV002000514.4), dbSNP rs369003419, ClinGen allele CA414678553.